The following is an entry in ClinVar:

ClinVar aggregate classification (germline): Uncertain significance (1 of 4 stars; one submission).

Conditions:
Spermatogenic failure 18. Identifiers: MedGen C4539783, MONDO:0054615, OMIM 617576.
Ciliary dyskinesia, primary, 37 (CILD37). Also called: CILIARY DYSKINESIA, PRIMARY, 37, WITH OR WITHOUT SITUS INVERSUS. Identifiers: MedGen C4539798, MONDO:0033204, OMIM 617577.

Submission:

Labcorp Genetics (formerly Invitae), Labcorp
Classification: Uncertain significance for Ciliary dyskinesia, primary, 37; Spermatogenic failure 18. Last evaluated: 2023-12-14. Review status: criteria provided, single submitter. Criteria: Invitae Variant Classification Sherloc (09022015). Collection method: clinical testing. Allele origin: germline.
Comment: This sequence change replaces glutamic acid, which is acidic and polar, with lysine, which is basic and polar, at codon 2171 of the DNAH1 protein (p.Glu2171Lys). This variant is not present in population databases (gnomAD no frequency). This variant has not been reported in the literature in individuals affected with DNAH1-related conditions. An algorithm developed to predict the effect of missense changes on protein structure and function (PolyPhen-2) suggests that this variant is likely to be tolerated. In summary, the available evidence is currently insufficient to determine the role of this variant in disease. Therefore, it has been classified as a Variant of Uncertain Significance.

NM_015512.5(DNAH1):c.6511G>A (p.Glu2171Lys)

Gene: DNAH1 (dynein axonemal heavy chain 1; plus strand). Cytogenetic location: 3p21.1.
Variant type: single nucleotide variant.
Coding change: c.6511G>A on transcript NM_015512.5 (MANE Select); coding-DNA position 6511, G replaced by A.
Protein change: p.Glu2171Lys; replaces glutamic acid 2171 with lysine.
Molecular consequence: missense variant.
Genome position (GRCh38, 1-based): chr3:52,370,811, G>A. VCF-style: chr3-52370811-G-A. GRCh37 (hg19) VCF-style: chr3-52404827-G-A.
Other names: short protein forms E2171K.
Identifiers: ClinVar variation 2926580 (VCV002926580.3), dbSNP rs2471232374, ClinGen allele CA353162008.